The following is an entry in ClinVar:

NM_004369.4(COL6A3):c.1502C>T (p.Thr501Ile)

Gene: COL6A3 (collagen type VI alpha 3 chain; minus strand). Cytogenetic location: 2q37.3.
Variant type: single nucleotide variant.
Coding change: c.1502C>T on transcript NM_004369.4 (MANE Select); coding-DNA position 1502, C replaced by T.
Protein change: p.Thr501Ile; replaces threonine 501 with isoleucine.
Molecular consequence: missense variant.
Genome position (GRCh38, 1-based): chr2:237,381,310, G>A on the plus strand (C>T on the coding strand, the complement: COL6A3 is on the minus strand). VCF-style: chr2-237381310-G-A. GRCh37 (hg19) VCF-style: chr2-238289953-G-A.
Other names: c.281C>T, p.Thr94Ile (NM_057164.5, NM_057166.5); c.884C>T, p.Thr295Ile (NM_057165.5, NM_057167.4); short protein forms T501I, T295I, T94I.
Identifiers: ClinVar variation 291216 (VCV000291216.15), dbSNP rs776324215, ClinGen allele CA2189615.

ClinVar aggregate classification (germline): Uncertain significance. Review status: criteria provided, multiple submitters, no conflicts (2 of 4 stars). 3 submissions from 3 submitters: Uncertain significance (3). Last evaluated 2023-04-17.

Conditions:
COL6A3-related disorder. Also called: COL6A3-related disorders; COL6A3-related condition.
Bethlem myopathy 1A. Also called: Bethlem Muscular Dystrophy; MYOPATHY, BENIGN CONGENITAL, WITH CONTRACTURES; Bethlem myopathy 1. Identifiers: Orphanet 610, MedGen CN029274, MONDO:0024530, OMIM 158810.

Allele frequency attached by ClinVar (database versions not stated): ExAC 0.00001; gnomAD exomes 0.00001.
gnomAD v4.1: 13 of 1,614,188 alleles (0.00081%); highest among the groups gnomAD compares: Non-Finnish European, 0.0011%; no homozygotes.

Submissions (3):

PreventionGenetics, part of Exact Sciences
Classification: Uncertain significance for COL6A3-related condition. Last evaluated: 2023-04-17. Review status: criteria provided, single submitter. Criteria: ACMG Guidelines, 2015. Collection method: clinical testing. Allele origin: germline.
Comment: The COL6A3 c.1502C>T variant is predicted to result in the amino acid substitution p.Thr501Ile. To our knowledge, this variant has not been reported in the literature. This variant is reported in 0.0018% of alleles in individuals of European (Non-Finnish) descent in gnomAD. At this time, the clinical significance of this variant is uncertain due to the absence of conclusive functional and genetic evidence.

Labcorp Genetics (formerly Invitae), Labcorp
Classification: Uncertain significance for Bethlem myopathy 1A. Last evaluated: 2020-07-31. Review status: criteria provided, single submitter. Criteria: Invitae Variant Classification Sherloc (09022015). Collection method: clinical testing. Allele origin: germline.
Comment: Algorithms developed to predict the effect of missense changes on protein structure and function are either unavailable or do not agree on the potential impact of this missense change (SIFT: "Deleterious"; PolyPhen-2: "Probably Damaging"; Align-GVGD: "Class C15"). This variant has not been reported in the literature in individuals with COL6A3-related conditions. ClinVar contains an entry for this variant (Variation ID: 291216). This variant is present in population databases (rs776324215, ExAC 0.001%). This sequence change replaces threonine with isoleucine at codon 501 of the COL6A3 protein (p.Thr501Ile). The threonine residue is moderately conserved and there is a moderate physicochemical difference between threonine and isoleucine. In summary, the available evidence is currently insufficient to determine the role of this variant in disease. Therefore, it has been classified as a Variant of Uncertain Significance.

Eurofins Ntd Llc (ga)
Classification: Uncertain significance. Last evaluated: 2016-09-15. Review status: criteria provided, single submitter. Criteria: EGL Classification Definitions 2015. Collection method: clinical testing. Allele origin: germline. Observed: 2 variant alleles, 2 heterozygotes.